The following is an entry in ClinVar:

NM_000452.3(SLC10A2):c.39T>G (p.Val13=)

Gene: SLC10A2 (solute carrier family 10 member 2; minus strand). Cytogenetic location: 13q33.1.
Variant type: single nucleotide variant.
Coding change: c.39T>G on transcript NM_000452.3 (MANE Select); coding-DNA position 39, T replaced by G.
Protein change: p.Val13=; no amino-acid change (valine 13 retained).
Molecular consequence: synonymous variant.
Genome position (GRCh38, 1-based): chr13:103,066,211, A>C on the plus strand (T>G on the coding strand, the complement: SLC10A2 is on the minus strand). VCF-style: chr13-103066211-A-C. GRCh37 (hg19) VCF-style: chr13-103718561-A-C.
Other names: c.39T>G (NM_000452.2).
Identifiers: ClinVar variation 595240 (VCV000595240.10), dbSNP rs201994393, ClinGen allele CA7042365.

ClinVar aggregate classification (germline): Conflicting classifications of pathogenicity. Review status: criteria provided, conflicting classifications (1 of 4 stars). 3 submissions from 3 submitters: Uncertain significance (1); Likely benign (1). 1 of the submissions does not count toward it. Last evaluated 2025-10-27.

Conditions:
SLC10A2-related disorder. Also called: SLC10A2-related condition.

Allele frequency attached by ClinVar (database versions not stated): TOPMed 0.00001.
gnomAD v4.1: 28 of 1,613,680 alleles (0.0017%); highest among the groups gnomAD compares: Admixed American, 0.0067%; no homozygotes.

Submissions (3):

Labcorp Genetics (formerly Invitae), Labcorp
Classification: Likely benign. Last evaluated: 2025-10-27. Review status: criteria provided, single submitter. Criteria: Invitae Variant Classification Sherloc (09022015). Collection method: clinical testing. Allele origin: germline.

Eurofins Ntd Llc (ga)
Classification: Uncertain significance. Last evaluated: 2017-12-05. Review status: criteria provided, single submitter. Criteria: EGL Classification Definitions 2015. Collection method: clinical testing. Allele origin: germline. Observed: 1 variant allele, 1 heterozygote.

PreventionGenetics, part of Exact Sciences
Classification: Likely benign for SLC10A2-related condition. Last evaluated: 2024-02-21. Review status: no assertion criteria provided. Collection method: clinical testing. Allele origin: germline. Not counted in ClinVar's aggregate classification.
Comment: This variant is classified as likely benign based on ACMG/AMP sequence variant interpretation guidelines (Richards et al. 2015 PMID: 25741868, with internal and published modifications).